The following is an entry in ClinVar:

NM_001329943.3(KIAA0586):c.1119G>A (p.Ser373=)

Gene: KIAA0586 (KIAA0586; plus strand). Cytogenetic location: 14q23.1.
Variant type: single nucleotide variant.
Coding change: c.1119G>A on transcript NM_001329943.3 (MANE Select); coding-DNA position 1119, G replaced by A.
Protein change: p.Ser373=; no amino-acid change (serine 373 retained).
Molecular consequence: synonymous variant.
Genome position (GRCh38, 1-based): chr14:58,450,736, G>A. VCF-style: chr14-58450736-G-A. GRCh37 (hg19) VCF-style: chr14-58917454-G-A.
Other names: p.Ser426=; c.1278G>A, p.Ser426= (NM_001244189.2); c.1074G>A, p.Ser358= (NM_001244190.2); c.864G>A, p.Ser288= (NM_001244191.2, NM_001329945.2, NM_001364700.1 and 1 more transcripts); c.987G>A, p.Ser329= (NM_001244192.2); c.699G>A, p.Ser233= (NM_001244193.2); c.1119G>A, p.Ser373= (NM_001329944.2, NM_001329946.2, NM_001329947.2 and 1 more transcripts).
Identifiers: ClinVar variation 1167994 (VCV001167994.16), dbSNP rs1748971, ClinGen allele CA7205553.
Genomic context (GRCh38, chr14:58,450,736, plus strand): 5'-GGATGATGAACTATCAAAGAGGGAAAATCTTTTGGAAGAAAAAGAAAATATGGAAGTGTC[G>A]TGTCACAGAGGTAATAGAGACTTTTACTAGACCTATCCCAAATTAGGAAATTGTCATGAG-3'
Protein context (NP_001316872.1, residues 363-383): LLEEKENMEV[Ser373=]CHRGNVRLLE

ClinVar aggregate classification (germline): Benign. Review status: criteria provided, multiple submitters, no conflicts (2 of 4 stars). 7 submissions from 6 submitters: Benign (7). Last evaluated 2026-02-04.

Conditions:
Short-rib thoracic dysplasia 14 with polydactyly (SRTD14). Identifiers: Orphanet 397715, MedGen C4225286, MONDO:0014688, OMIM 616546.
Joubert syndrome 23 (JBTS23). Identifiers: Orphanet 475, MedGen C4084822, MONDO:0014664, OMIM 616490.

Allele frequency attached by ClinVar (database versions not stated): TOPMed 0.99651; gnomAD 0.99666 and 0.99699; 1000 Genomes Project 30x 0.99719; ESP Exome Variant Server 0.99729; 1000 Genomes Project 0.99740; ExAC 0.99908; gnomAD exomes 0.99931 and 0.99970.
gnomAD v4.1: 1,598,256 of 1,599,156 alleles (100%); highest among the groups gnomAD compares: East Asian, 100%; 798,683 homozygotes.

Submissions (7):

Labcorp Genetics (formerly Invitae), Labcorp
Classification: Benign for Joubert syndrome 23; Short-rib thoracic dysplasia 14 with polydactyly. Last evaluated: 2026-02-04. Review status: criteria provided, single submitter. Criteria: Invitae Variant Classification Sherloc (09022015). Collection method: clinical testing. Allele origin: germline.

Mayo Clinic Laboratories, Mayo Clinic
Classification: Benign. Last evaluated: 2025-08-18. Review status: criteria provided, single submitter. Criteria: ACMG Guidelines, 2015. Collection method: clinical testing. Allele origin: germline. Observed: 77 variant alleles.
Comment: BP4, BP7

Blueprint Genetics
Classification: Benign. Last evaluated: 2024-11-28. Review status: criteria provided, single submitter. Criteria: ACMG Guidelines, 2015. Collection method: clinical testing. Allele origin: germline.

Genome-Nilou Lab
Classification: Benign for Joubert syndrome 23. Last evaluated: 2021-08-19. Review status: criteria provided, single submitter. Criteria: ACMG Guidelines, 2015. Collection method: clinical testing. Allele origin: germline. Affected: no.

Genome-Nilou Lab
Classification: Benign for Short-rib thoracic dysplasia 14 with polydactyly. Last evaluated: 2021-08-19. Review status: criteria provided, single submitter. Criteria: ACMG Guidelines, 2015. Collection method: clinical testing. Allele origin: germline. Affected: no.

GeneDx
Classification: Benign. Last evaluated: 2018-07-18. Review status: criteria provided, single submitter. Criteria: GeneDx Variant Classification Process June 2021. Collection method: clinical testing. Allele origin: germline. Affected: yes.

Breakthrough Genomics
Classification: Benign. Review status: criteria provided, single submitter. Criteria: ACMG Guidelines, 2015. Collection method: not provided. Allele origin: germline. Inheritance: Autosomal recessive inheritance. Affected: yes.